The following is an entry in ClinVar:

ClinVar aggregate classification (germline): Pathogenic/Likely pathogenic. Review status: criteria provided, multiple submitters, no conflicts (2 of 4 stars). 5 submissions from 5 submitters: Pathogenic (4); Likely pathogenic (1). Last evaluated 2026-01-05.

Conditions:
TBX4-related disorder. Also called: TBX4-related condition; TBX4-related disorders.
Inborn genetic diseases. Identifiers: MedGen C0950123, MeSH D030342.
Coxopodopatellar syndrome. Also called: ISCHIOCOXOPODOPATELLAR SYNDROME WITH OR WITHOUT PULMONARY ARTERIAL HYPERTENSION; ISCHIOCOXOPODOPATELLAR SYNDROME; PATELLA APLASIA, COXA VARA, AND TARSAL SYNOSTOSIS; Small patella syndrome; Congenital coxa vara, patella aplasia and tarsal synostosis; ISCHIOPATELLAR DYSPLASIA. Identifiers: Orphanet 1509, MedGen C1840061, MONDO:0007841, OMIM 147891.

Submissions (5):

Ambry Genetics
Classification: Pathogenic for Inborn genetic diseases. Last evaluated: 2026-01-05. Review status: criteria provided, single submitter. Criteria: Ambry Variant Classification Scheme 2023. Collection method: clinical testing. Allele origin: germline.
Comment: The c.1018C>T (p.R340*) alteration, located in exon 7 (coding exon 7) of the TBX4 gene, consists of a C to T substitution at nucleotide position 1018. This changes the amino acid from an arginine (R) to a stop codon at amino acid position 340. This variant is not expected to trigger nonsense-mediated mRNA decay and impacts the last 37% of the protein. Premature stop codons are typically deleterious in nature and the impacted region is critical for protein function (Ambry internal data). This variant was not reported in population-based cohorts in the Genome Aggregation Database (gnomAD). This variant was reported in individual(s) with features consistent with TBX4-related disorder (Deshwar, 2023; Galambos, 2019). Based on the available evidence, this alteration is classified as pathogenic.

3billion
Classification: Pathogenic for Coxopodopatellar syndrome. Last evaluated: 2024-01-18. Review status: criteria provided, single submitter. Criteria: ACMG Guidelines, 2015. Collection method: clinical testing. Allele origin: germline. Affected: yes.
Comment: The variant is not observed in the gnomAD v2.1.1 dataset. Predicted Consequence/Location: Stop-gained (nonsense): predicted to result in a loss or disruption of normal protein function through protein truncation. The predicted truncated protein may be shortened by more than 10%. The variant has been reported at least twice as pathogenic with clinical assertions and evidence for the classification (ClinVar ID: VCV000620312 /PMID: 31151956). Therefore, this variant is classified as Pathogenic according to the recommendation of ACMG/AMP guideline.

Labcorp Genetics (formerly Invitae), Labcorp
Classification: Pathogenic. Last evaluated: 2022-05-31. Review status: criteria provided, single submitter. Criteria: Invitae Variant Classification Sherloc (09022015). Collection method: clinical testing. Allele origin: germline.
Comment: This premature translational stop signal has been observed in individuals with pulmonary arterial hypertension (PMID: 31151956, 32348326). For these reasons, this variant has been classified as Pathogenic. This variant disrupts a region of the TBX4 protein in which other variant(s) (p.Arg526*) have been determined to be pathogenic (Invitae). This suggests that this is a clinically significant region of the protein, and that variants that disrupt it are likely to be disease-causing. ClinVar contains an entry for this variant (Variation ID: 620312). This variant is not present in population databases (gnomAD no frequency). This sequence change creates a premature translational stop signal (p.Arg340*) in the TBX4 gene. While this is not anticipated to result in nonsense mediated decay, it is expected to disrupt the last 206 amino acid(s) of the TBX4 protein.

GeneDx
Classification: Pathogenic. Last evaluated: 2022-02-10. Review status: criteria provided, single submitter. Criteria: GeneDx Variant Classification Process June 2021. Collection method: clinical testing. Allele origin: germline. Affected: yes.
Comment: Reported previously in a patient with pulmonary arterial hypertension and congenital heart disease who also harbored a variant in the SMAD1 gene; parental testing not performed (Castano et al., 2020); Nonsense variant in the C-terminus predicted to result in protein truncation, as the last 206 amino acids are lost, and other loss-of-function variants have been reported downstream in HGMD; Not observed at significant frequency in large population cohorts (gnomAD); Reported previously as a likely pathogenic variant in the heterozygous state in siblings with interstitial lung disease, patent ductus arteriosus, and patent foramen ovale; parental testing not performed (Galambos et al., 2019); This variant is associated with the following publications: (PMID: 32348326, 33007923, 31151956)

Blueprint Genetics
Classification: Likely pathogenic for TBX4-related disorders. Last evaluated: 2020-11-20. Review status: criteria provided, single submitter. Criteria: ACMG Guidelines, 2015. Collection method: clinical testing. Allele origin: germline. Affected: yes. Observed: 1 variant allele.

Literature cited by the submitters: PubMed 31151956 (cited by 3 submitters); PubMed 36990084 (cited by Ambry Genetics); PubMed 32348326 (cited by Labcorp Genetics (formerly Invitae), Labcorp).

NM_001321120.2(TBX4):c.1018C>T (p.Arg340Ter)

Gene: TBX4 (T-box transcription factor 4; plus strand). Cytogenetic location: 17q23.2.
Variant type: single nucleotide variant.
Coding change: c.1018C>T on transcript NM_001321120.2 (MANE Select); coding-DNA position 1018, C replaced by T.
Protein change: p.Arg340Ter; replaces arginine 340 with a stop codon.
Molecular consequence: nonsense.
Genome position (GRCh38, 1-based): chr17:61,480,316, C>T. VCF-style: chr17-61480316-C-T. GRCh37 (hg19) VCF-style: chr17-59557677-C-T.
Other names: c.1018C>T, p.Arg340Ter (NM_018488.3, LRG_1206t1); short protein forms R340*.
Identifiers: ClinVar variation 620312 (VCV000620312.12), dbSNP rs1569044884, ClinGen allele CA400474803.